The following is an entry in ClinVar:

ClinVar aggregate classification (germline): Conflicting classifications of pathogenicity. Review status: criteria provided, conflicting classifications (1 of 4 stars). 2 submissions from 2 submitters: Uncertain significance (1); Likely benign (1). Last evaluated 2025-03-07.

Conditions:
Inborn genetic diseases. Identifiers: MedGen C0950123, MeSH D030342.
Neonatal-onset encephalopathy with rigidity and seizures. Also called: Lethal neonatal spasticity-epileptic encephalopathy syndrome. Identifiers: Orphanet 435845, MedGen C3281029, MONDO:0013784, OMIM 614498.

Allele frequency attached by ClinVar (database versions not stated): 1000 Genomes Project 30x 0.00016; 1000 Genomes Project 0.00020.
gnomAD v4.1: 13 of 1,612,492 alleles (0.00081%); highest among the groups gnomAD compares: East Asian, 0.0089%; no homozygotes.

Submissions (2):

Ambry Genetics
Classification: Likely benign for Inborn genetic diseases. Last evaluated: 2025-03-07. Review status: criteria provided, single submitter. Criteria: Ambry Variant Classification Scheme 2023. Collection method: clinical testing. Allele origin: germline.

Labcorp Genetics (formerly Invitae), Labcorp
Classification: Uncertain significance for Neonatal-onset encephalopathy with rigidity and seizures. Last evaluated: 2021-01-12. Review status: criteria provided, single submitter. Criteria: Invitae Variant Classification Sherloc (09022015). Collection method: clinical testing. Allele origin: germline.
Comment: This variant is present in population databases (rs531827528, ExAC 0.02%). This variant has not been reported in the literature in individuals with BRAT1-related conditions. Algorithms developed to predict the effect of missense changes on protein structure and function output the following: SIFT: "Tolerated"; PolyPhen-2: "Benign"; Align-GVGD: "Class C0". The aspartic acid amino acid residue is found in multiple mammalian species, suggesting that this missense change does not adversely affect protein function. These predictions have not been confirmed by published functional studies and their clinical significance is uncertain. In summary, the available evidence is currently insufficient to determine the role of this variant in disease. Therefore, it has been classified as a Variant of Uncertain Significance. This sequence change replaces glycine with aspartic acid at codon 189 of the BRAT1 protein (p.Gly189Asp). The glycine residue is moderately conserved and there is a moderate physicochemical difference between glycine and aspartic acid.

NM_152743.4(BRAT1):c.566G>A (p.Gly189Asp)

Gene: BRAT1 (BRCA1 associated ATM activator 1; minus strand). Cytogenetic location: 7p22.3.
Variant type: single nucleotide variant.
Coding change: c.566G>A on transcript NM_152743.4 (MANE Select); coding-DNA position 566, G replaced by A.
Protein change: p.Gly189Asp; replaces glycine 189 with aspartic acid.
Molecular consequence: missense variant. On other transcripts: non-coding transcript variant (1).
Genome position (GRCh38, 1-based): chr7:2,543,827, C>T on the plus strand (G>A on the coding strand, the complement: BRAT1 is on the minus strand). VCF-style: chr7-2543827-C-T. GRCh37 (hg19) VCF-style: chr7-2583461-C-T.
Other names: c.566G>A (NM_152743.3); c.566G>A, p.Gly189Asp (NM_001350626.2); c.41G>A, p.Gly14Asp (NM_001350627.2); short protein forms G189D, G14D.
Identifiers: ClinVar variation 1504718 (VCV001504718.9), dbSNP rs531827528, ClinGen allele CA4128159.
Genomic context (GRCh38, chr7:2,543,827, plus strand): 5'-GCGGAGCACAAGGACTCTTCAACGTGATCCATGATCTTCTGGGCACACGCGGGCCAGTCA[C>T]CCCCCGGCAGGCAGGGCTGCCCCTCGGCTCCACCTCGCATGGACAAAGCCAGGACGTGCA-3'
Protein context (NP_689956.2, residues 179-199): GAEGQPCLPG[Gly189Asp]DWPACAQKIM